The following is an entry in ClinVar:

ClinVar aggregate classification (germline): Likely benign (1 of 4 stars; one submission).

Allele frequency attached by ClinVar (database versions not stated): ExAC 0.00001.

Submission:

CeGaT Center for Human Genetics Tuebingen
Classification: Likely benign. Last evaluated: 2023-08-01. Review status: criteria provided, single submitter. Criteria: CeGaT Center For Human Genetics Tuebingen Variant Classification Criteria Version 2. Collection method: clinical testing. Allele origin: germline. Affected: yes. Observed: 1 variant allele.
Comment: MUC6: BP4, BP7

NM_005961.3(MUC6):c.5610C>T (p.His1870=)

Gene: MUC6 (mucin 6, oligomeric mucus/gel-forming (gene/pseudogene); minus strand). Cytogenetic location: 11p15.5.
Variant type: single nucleotide variant.
Coding change: c.5610C>T on transcript NM_005961.3 (MANE Select); coding-DNA position 5610, C replaced by T.
Protein change: p.His1870=; no amino-acid change (histidine 1870 retained).
Molecular consequence: synonymous variant.
Genome position (GRCh38, 1-based): chr11:1,017,191, G>A on the plus strand (C>T on the coding strand, the complement: MUC6 is on the minus strand). VCF-style: chr11-1017191-G-A. GRCh37 (hg19) VCF-style: chr11-1017191-G-A.
Identifiers: ClinVar variation 2641104 (VCV002641104.24), dbSNP rs759522093, ClinGen allele CA5795415.